The following is an entry in ClinVar:

NM_001277115.2(DNAH11):c.3647A>C (p.Glu1216Ala)

Gene: DNAH11 (dynein axonemal heavy chain 11; plus strand). Cytogenetic location: 7p15.3.
Variant type: single nucleotide variant.
Coding change: c.3647A>C on transcript NM_001277115.2 (MANE Select); coding-DNA position 3647, A replaced by C.
Protein change: p.Glu1216Ala; replaces glutamic acid 1216 with alanine.
Molecular consequence: missense variant.
Genome position (GRCh38, 1-based): chr7:21,601,617, A>C. VCF-style: chr7-21601617-A-C. GRCh37 (hg19) VCF-style: chr7-21641235-A-C.
Other names: short protein forms E1216A.
Identifiers: ClinVar variation 410867 (VCV000410867.15), dbSNP rs1016978531, ClinGen allele CA16612167.

ClinVar aggregate classification (germline): Uncertain significance (1 of 4 stars; one submission).

Conditions:
Primary ciliary dyskinesia. Also called: Ciliary dyskinesia. Identifiers: Orphanet 244, MedGen C0008780, MONDO:0016575, HP:0012265.

Submission:

Labcorp Genetics (formerly Invitae), Labcorp
Classification: Uncertain significance for Primary ciliary dyskinesia. Last evaluated: 2022-07-25. Review status: criteria provided, single submitter. Criteria: Invitae Variant Classification Sherloc (09022015). Collection method: clinical testing. Allele origin: germline.
Comment: This sequence change replaces glutamic acid, which is acidic and polar, with alanine, which is neutral and non-polar, at codon 1216 of the DNAH11 protein (p.Glu1216Ala). This variant is not present in population databases (gnomAD no frequency). This variant has not been reported in the literature in individuals affected with DNAH11-related conditions. ClinVar contains an entry for this variant (Variation ID: 410867). Algorithms developed to predict the effect of missense changes on protein structure and function are either unavailable or do not agree on the potential impact of this missense change (SIFT: "Deleterious"; PolyPhen-2: "Possibly Damaging"; Align-GVGD: "Class C0"). In summary, the available evidence is currently insufficient to determine the role of this variant in disease. Therefore, it has been classified as a Variant of Uncertain Significance.